The following is an entry in ClinVar:

NM_031935.3(HMCN1):c.14016C>G (p.Asn4672Lys)

Gene: HMCN1 (hemicentin 1; plus strand). Cytogenetic location: 1q31.1.
Variant type: single nucleotide variant.
Coding change: c.14016C>G on transcript NM_031935.3 (MANE Select); coding-DNA position 14016, C replaced by G.
Protein change: p.Asn4672Lys; replaces asparagine 4672 with lysine.
Molecular consequence: missense variant.
Genome position (GRCh38, 1-based): chr1:186,144,264, C>G. VCF-style: chr1-186144264-C-G. GRCh37 (hg19) VCF-style: chr1-186113396-C-G.
Other names: short protein forms N4672K.
Identifiers: ClinVar variation 1926361 (VCV001926361.5), dbSNP rs1650143850, ClinGen allele CA343914587.

ClinVar aggregate classification (germline): Uncertain significance (1 of 4 stars; one submission).

gnomAD v4.1: 1 of 1,613,998 alleles (0.000062%); no homozygotes.

Submission:

Labcorp Genetics (formerly Invitae), Labcorp
Classification: Uncertain significance. Last evaluated: 2022-11-22. Review status: criteria provided, single submitter. Criteria: Invitae Variant Classification Sherloc (09022015). Collection method: clinical testing. Allele origin: germline.
Comment: In summary, the available evidence is currently insufficient to determine the role of this variant in disease. Therefore, it has been classified as a Variant of Uncertain Significance. Algorithms developed to predict the effect of missense changes on protein structure and function are either unavailable or do not agree on the potential impact of this missense change (SIFT: "Deleterious"; PolyPhen-2: "Benign"; Align-GVGD: "Class C15"). This variant has not been reported in the literature in individuals affected with HMCN1-related conditions. This variant is not present in population databases (gnomAD no frequency). This sequence change replaces asparagine, which is neutral and polar, with lysine, which is basic and polar, at codon 4672 of the HMCN1 protein (p.Asn4672Lys).